The following is an entry in ClinVar:

ClinVar aggregate classification (germline): Uncertain significance (1 of 4 stars; one submission).

Conditions:
DK1-congenital disorder of glycosylation. Also called: DOLK-congenital disorder of glycosylation; Carbohydrate deficient glycoprotein syndrome type 1m; CONGENITAL DISORDER OF GLYCOSYLATION, TYPE Im; DK1-CDG; CDG Im; DK1 DEFICIENCY. Identifiers: Orphanet 91131, MedGen C1835849, MONDO:0012556, OMIM 610768.

Allele frequency attached by ClinVar (database versions not stated): gnomAD exomes below 0.00001.
gnomAD v4.1: 1 of 1,614,084 alleles (0.000062%); highest among the groups gnomAD compares: East Asian, 0.0022%; no homozygotes.

Submission:

Labcorp Genetics (formerly Invitae), Labcorp
Classification: Uncertain significance for DK1-congenital disorder of glycosylation. Last evaluated: 2022-07-30. Review status: criteria provided, single submitter. Criteria: Invitae Variant Classification Sherloc (09022015). Collection method: clinical testing. Allele origin: germline.
Comment: In summary, the available evidence is currently insufficient to determine the role of this variant in disease. Therefore, it has been classified as a Variant of Uncertain Significance. Algorithms developed to predict the effect of missense changes on protein structure and function are either unavailable or do not agree on the potential impact of this missense change (SIFT: "Tolerated"; PolyPhen-2: "Possibly Damaging"; Align-GVGD: "Class C0"). This variant has not been reported in the literature in individuals affected with DOLK-related conditions. This variant is not present in population databases (gnomAD no frequency). This sequence change replaces asparagine, which is neutral and polar, with serine, which is neutral and polar, at codon 319 of the DOLK protein (p.Asn319Ser).

NM_014908.4(DOLK):c.956A>G (p.Asn319Ser)

Gene: DOLK (dolichol kinase; minus strand). Cytogenetic location: 9q34.11.
Variant type: single nucleotide variant.
Coding change: c.956A>G on transcript NM_014908.4 (MANE Select); coding-DNA position 956, A replaced by G.
Protein change: p.Asn319Ser; replaces asparagine 319 with serine.
Molecular consequence: missense variant.
Genome position (GRCh38, 1-based): chr9:128,946,348, T>C on the plus strand (A>G on the coding strand, the complement: DOLK is on the minus strand). VCF-style: chr9-128946348-T-C. GRCh37 (hg19) VCF-style: chr9-131708627-T-C.
Other names: short protein forms N319S.
Identifiers: ClinVar variation 2088712 (VCV002088712.2), dbSNP rs2492003992, ClinGen allele CA375121346.
Genomic context (GRCh38, chr9:128,946,348, plus strand): 5'-TACTTTCGGGCGATGGTGGGGGCCTGGTGCTTCTTGGACTCGGAAGATGACCGCTTGGCA[T>C]TCTGGTACAGCACCACCAGGCAGGCCAAGGTGGCCAGCAGAGACCAATAGGCTAGGAGGT-3'
Protein context (NP_055723.1, residues 309-329): TLACLVVLYQ[Asn319Ser]AKRSSSESKK